The following is an entry in ClinVar:

NM_020778.5(ALPK3):c.5096C>G (p.Ser1699Cys)

Gene: ALPK3 (alpha kinase 3; plus strand). Cytogenetic location: 15q25.3.
Variant type: single nucleotide variant.
Coding change: c.5096C>G on transcript NM_020778.5 (MANE Select); coding-DNA position 5096, C replaced by G.
Protein change: p.Ser1699Cys; replaces serine 1699 with cysteine.
Molecular consequence: missense variant.
Genome position (GRCh38, 1-based): chr15:84,868,434, C>G. VCF-style: chr15-84868434-C-G. GRCh37 (hg19) VCF-style: chr15-85411665-C-G.
Other names: short protein forms S1699C.
Identifiers: ClinVar variation 4089033 (VCV004089033.1).

ClinVar aggregate classification (germline): Uncertain significance (1 of 4 stars; one submission).

Conditions:
Cardiovascular phenotype. Identifiers: MedGen CN230736.

gnomAD v4.1: 1 of 1,609,982 alleles (0.000062%); highest among the groups gnomAD compares: East Asian, 0.0022%; no homozygotes.

Submission:

Ambry Genetics
Classification: Uncertain significance for Cardiovascular phenotype. Last evaluated: 2025-07-30. Review status: criteria provided, single submitter. Criteria: Ambry Variant Classification Scheme 2023. Collection method: clinical testing. Allele origin: germline.
Comment: The p.S1901C variant (also known as c.5702C>G), located in coding exon 14 of the ALPK3 gene, results from a C to G substitution at nucleotide position 5702. The serine at codon 1901 is replaced by cysteine, an amino acid with dissimilar properties. This amino acid position is conserved. In addition, this alteration is predicted to be tolerated by in silico analysis. Based on the available evidence, the clinical significance of this variant remains unclear.